The following is an entry in ClinVar:

NM_003803.4(MYOM1):c.2320G>A (p.Glu774Lys)

Gene: MYOM1 (myomesin 1; minus strand). Cytogenetic location: 18p11.31.
Variant type: single nucleotide variant.
Coding change: c.2320G>A on transcript NM_003803.4 (MANE Select); coding-DNA position 2320, G replaced by A.
Protein change: p.Glu774Lys; replaces glutamic acid 774 with lysine.
Molecular consequence: missense variant.
Genome position (GRCh38, 1-based): chr18:3,134,714, C>T on the plus strand (G>A on the coding strand, the complement: MYOM1 is on the minus strand). VCF-style: chr18-3134714-C-T. GRCh37 (hg19) VCF-style: chr18-3134712-C-T.
Other names: c.2320G>A, p.Glu774Lys (NM_019856.2); short protein forms E774K.
Identifiers: ClinVar variation 2913495 (VCV002913495.3), dbSNP rs947207927, ClinGen allele CA295518800.

ClinVar aggregate classification (germline): Uncertain significance (1 of 4 stars; one submission).

Conditions:
Hypertrophic cardiomyopathy. Also called: HYPERTROPHIC MYOCARDIOPATHY. Identifiers: Orphanet 217569, MedGen C0007194, MeSH D002312, MONDO:0005045, HP:0001639.

Allele frequency attached by ClinVar (database versions not stated): TOPMed 0.00003; gnomAD 0.00001.
gnomAD v4.1: 1 of 1,613,852 alleles (0.000062%); highest among the groups gnomAD compares: African/African-American, 0.0013%; no homozygotes.

Submission:

Labcorp Genetics (formerly Invitae), Labcorp
Classification: Uncertain significance for Hypertrophic cardiomyopathy. Last evaluated: 2025-06-01. Review status: criteria provided, single submitter. Criteria: Invitae Variant Classification Sherloc (09022015). Collection method: clinical testing. Allele origin: germline.
Comment: This sequence change replaces glutamic acid, which is acidic and polar, with lysine, which is basic and polar, at codon 774 of the MYOM1 protein (p.Glu774Lys). This variant is not present in population databases (gnomAD no frequency). This variant has not been reported in the literature in individuals affected with MYOM1-related conditions. ClinVar contains an entry for this variant (Variation ID: 2913495). Invitae Evidence Modeling of protein sequence and biophysical properties (such as structural, functional, and spatial information, amino acid conservation, physicochemical variation, residue mobility, and thermodynamic stability) has been performed for this missense variant. However, the output from this modeling did not meet the statistical confidence thresholds required to predict the impact of this variant on MYOM1 protein function. In summary, the available evidence is currently insufficient to determine the role of this variant in disease. Therefore, it has been classified as a Variant of Uncertain Significance.